The following is an entry in ClinVar:

ClinVar aggregate classification (germline): Uncertain significance. Review status: criteria provided, multiple submitters, no conflicts (2 of 4 stars). 2 submissions from 2 submitters: Uncertain significance (2). Last evaluated 2025-05-14.

Conditions:
Neuroblastoma, susceptibility to, 3. Also called: ALK-Related Neuroblastic Tumor Susceptibility. Identifiers: Orphanet 635, MedGen C2751681, MONDO:0013083, OMIM 613014.
Hereditary cancer-predisposing syndrome. Also called: Neoplastic Syndromes, Hereditary; Tumor predisposition; Hereditary Cancer Syndrome; Hereditary neoplastic syndrome. Identifiers: Orphanet 140162, MedGen C0027672, MeSH D009386, MONDO:0015356.

Submissions (2):

Labcorp Genetics (formerly Invitae), Labcorp
Classification: Uncertain significance for Neuroblastoma, susceptibility to, 3. Last evaluated: 2025-05-14. Review status: criteria provided, single submitter. Criteria: Invitae Variant Classification Sherloc (09022015). Collection method: clinical testing. Allele origin: germline.
Comment: This sequence change falls in intron 21 of the ALK gene. It does not directly change the encoded amino acid sequence of the ALK protein. It affects a nucleotide within the consensus splice site. This variant is not present in population databases (gnomAD no frequency). This variant has not been reported in the literature in individuals affected with ALK-related conditions. ClinVar contains an entry for this variant (Variation ID: 1731564). Variants that disrupt the consensus splice site are a relatively common cause of aberrant splicing (PMID: 17576681, 9536098). Algorithms developed to predict the effect of sequence changes on RNA splicing suggest that this variant is not likely to affect RNA splicing. In summary, the available evidence is currently insufficient to determine the role of this variant in disease. Therefore, it has been classified as a Variant of Uncertain Significance.

Ambry Genetics
Classification: Uncertain significance for Hereditary cancer-predisposing syndrome. Last evaluated: 2024-05-24. Review status: criteria provided, single submitter. Criteria: Ambry Variant Classification Scheme 2023. Collection method: clinical testing. Allele origin: germline.
Comment: The c.3450+3A>G intronic variant results from an A to G substitution 3 nucleotides after coding exon 21 in the ALK gene. This nucleotide position is well conserved in available vertebrate species. In silico splice site analysis predicts that this alteration will not have any significant effect on splicing. Based on the available evidence, the clinical significance of this variant remains unclear.

Literature cited by the submitters: PubMed 17576681 (cited by Labcorp Genetics (formerly Invitae), Labcorp); PubMed 9536098 (cited by Labcorp Genetics (formerly Invitae), Labcorp).

NM_004304.5(ALK):c.3450+3A>G

Gene: ALK (ALK receptor tyrosine kinase; minus strand). Cytogenetic location: 2p23.2.
Variant type: single nucleotide variant.
Coding change: c.3450+3A>G on transcript NM_004304.5 (MANE Select); 3 bases into the intron after coding-DNA position 3450, A replaced by G.
Molecular consequence: intron variant.
Genome position (GRCh38, 1-based): chr2:29,222,514, T>C on the plus strand (A>G on the coding strand, the complement: ALK is on the minus strand). VCF-style: chr2-29222514-T-C. GRCh37 (hg19) VCF-style: chr2-29445380-T-C.
Other names: c.246+3A>G (NM_001353765.2).
Identifiers: ClinVar variation 1731564 (VCV001731564.6), dbSNP rs2465952232, ClinGen allele CA2580066311.